The following is an entry in ClinVar:

NM_001457.4(FLNB):c.5060A>T (p.Tyr1687Phe)

Gene: FLNB (filamin B; plus strand). Cytogenetic location: 3p14.3.
Variant type: single nucleotide variant.
Coding change: c.5060A>T on transcript NM_001457.4 (MANE Select); coding-DNA position 5060, A replaced by T.
Protein change: p.Tyr1687Phe; replaces tyrosine 1687 with phenylalanine.
Molecular consequence: missense variant.
Genome position (GRCh38, 1-based): chr3:58,138,480, A>T. VCF-style: chr3-58138480-A-T. GRCh37 (hg19) VCF-style: chr3-58124207-A-T.
Other names: c.5153A>T, p.Tyr1718Phe (NM_001164317.2); c.5060A>T, p.Tyr1687Phe (NM_001164318.2, NM_001164319.2); short protein forms Y1687F, Y1718F.
Identifiers: ClinVar variation 4801719 (VCV004801719.1).
Genomic context (GRCh38, chr3:58,138,480, plus strand): 5'-ATGAAGATGGAACCTATGACATCTTCTACACAGCTGCCAAGCCGGGCACATATGTGATCT[A>T]TGTGCGCTTCGGTGGTGTTGATATTCCTAACAGCCCCTTCACTGTCATGGTAAGGAAAAT-3'
Protein context (NP_001448.2, residues 1677-1697): TAAKPGTYVI[Tyr1687Phe]VRFGGVDIPN

ClinVar aggregate classification (germline): Uncertain significance (1 of 4 stars; one submission).

gnomAD v4.1: 1 of 1,614,202 alleles (0.000062%); highest among the groups gnomAD compares: Non-Finnish European, 0.000085%; no homozygotes.

Submission:

Labcorp Genetics (formerly Invitae), Labcorp
Classification: Uncertain significance. Last evaluated: 2025-09-10. Review status: criteria provided, single submitter. Criteria: Invitae Variant Classification Sherloc (09022015). Collection method: clinical testing. Allele origin: germline.
Comment: This sequence change replaces tyrosine, which is neutral and polar, with phenylalanine, which is neutral and non-polar, at codon 1687 of the FLNB protein (p.Tyr1687Phe). This variant is not present in population databases (gnomAD no frequency). This variant has not been reported in the literature in individuals affected with FLNB-related conditions. Invitae Evidence Modeling of protein sequence and biophysical properties (such as structural, functional, and spatial information, amino acid conservation, physicochemical variation, residue mobility, and thermodynamic stability) indicates that this missense variant is not expected to disrupt FLNB protein function with a negative predictive value of 95%. In summary, the available evidence is currently insufficient to determine the role of this variant in disease. Therefore, it has been classified as a Variant of Uncertain Significance.